The following is an entry in ClinVar:

NM_000836.4(GRIN2D):c.607T>C (p.Tyr203His)

Gene: GRIN2D (glutamate ionotropic receptor NMDA type subunit 2D; plus strand). Cytogenetic location: 19q13.33.
Variant type: single nucleotide variant.
Coding change: c.607T>C on transcript NM_000836.4 (MANE Select); coding-DNA position 607, T replaced by C.
Protein change: p.Tyr203His; replaces tyrosine 203 with histidine.
Molecular consequence: missense variant.
Genome position (GRCh38, 1-based): chr19:48,404,875, T>C. VCF-style: chr19-48404875-T-C. GRCh37 (hg19) VCF-style: chr19-48908132-T-C.
Other names: short protein forms Y203H.
Identifiers: ClinVar variation 2577988 (VCV002577988.2), dbSNP rs769069826, ClinGen allele CA9550353.
Genomic context (GRCh38, chr19:48,404,875, plus strand): 5'-GACTGGACGTCCTTTGTAGCCGTGACCACTCGTGCCCCTGGCCACCGGGCCTTCCTGTCC[T>C]ACATTGAGGTGCTGACTGACGGTAGTCTGGTGGGCTGGGAGCACCGCGGAGCGCTGACGC-3'
Protein context (NP_000827.2, residues 193-213): RAPGHRAFLS[Tyr203His]IEVLTDGSLV

ClinVar aggregate classification (germline): Uncertain significance. Review status: criteria provided, single submitter (1 of 4 stars). 2 submissions from 2 submitters: Uncertain significance (1). 1 of the submissions does not count toward it. Last evaluated 2025-10-10.

Allele frequency attached by ClinVar (database versions not stated): ExAC 0.00001; gnomAD exomes 0.00001.
gnomAD v4.1: 8 of 1,614,164 alleles (0.0005%); highest among the groups gnomAD compares: Non-Finnish European, 0.00068%; no homozygotes.

Submissions (2):

Labcorp Genetics (formerly Invitae), Labcorp
Classification: Uncertain significance. Last evaluated: 2025-10-10. Review status: criteria provided, single submitter. Criteria: Invitae Variant Classification Sherloc (09022015). Collection method: clinical testing. Allele origin: germline.
Comment: This sequence change replaces tyrosine, which is neutral and polar, with histidine, which is basic and polar, at codon 203 of the GRIN2D protein (p.Tyr203His). This variant is present in population databases (rs769069826, gnomAD 0.0009%). This variant has not been reported in the literature in individuals affected with GRIN2D-related conditions. ClinVar contains an entry for this variant (Variation ID: 2577988). Invitae Evidence Modeling of protein sequence and biophysical properties (such as structural, functional, and spatial information, amino acid conservation, physicochemical variation, residue mobility, and thermodynamic stability) indicates that this missense variant is not expected to disrupt GRIN2D protein function with a negative predictive value of 80%. In summary, the available evidence is currently insufficient to determine the role of this variant in disease. Therefore, it has been classified as a Variant of Uncertain Significance.

Molecular Genetics laboratory, Necker Hospital
Classification: Likely pathogenic. Last evaluated: 2021-06-08. Review status: no assertion criteria provided. Collection method: clinical testing. Allele origin: de novo. Affected: yes. Not counted in ClinVar's aggregate classification.